The following is an entry in ClinVar:

ClinVar aggregate classification (germline): Likely benign (1 of 4 stars; one submission).

gnomAD v4.1: 336 of 1,614,164 alleles (0.021%); highest among the groups gnomAD compares: South Asian, 0.1%; 1 homozygote.

Submission:

CeGaT Center for Human Genetics Tuebingen
Classification: Likely benign. Last evaluated: 2026-01-01. Review status: criteria provided, single submitter. Criteria: CeGaT Center For Human Genetics Tuebingen Variant Classification Criteria Version 2. Collection method: clinical testing. Allele origin: germline. Affected: yes. Observed: 4 variant alleles.
Comment: SPEN: BP4, BP7, BS1

NM_015001.3(SPEN):c.8637C>T (p.Asn2879=)

Gene: SPEN (spen family transcriptional repressor; plus strand). Cytogenetic location: 1p36.13.
Variant type: single nucleotide variant.
Coding change: c.8637C>T on transcript NM_015001.3 (MANE Select); coding-DNA position 8637, C replaced by T.
Protein change: p.Asn2879=; no amino-acid change (asparagine 2879 retained).
Molecular consequence: synonymous variant.
Genome position (GRCh38, 1-based): chr1:15,934,877, C>T. VCF-style: chr1-15934877-C-T. GRCh37 (hg19) VCF-style: chr1-16261372-C-T.
Identifiers: ClinVar variation 3770761 (VCV003770761.13).